The following is an entry in ClinVar:

NM_002582.4(PARN):c.133A>C (p.Asn45His)

Gene: PARN (poly(A)-specific ribonuclease; minus strand). Cytogenetic location: 16p13.12.
Variant type: single nucleotide variant.
Coding change: c.133A>C on transcript NM_002582.4 (MANE Select); coding-DNA position 133, A replaced by C.
Protein change: p.Asn45His; replaces asparagine 45 with histidine.
Molecular consequence: missense variant. On other transcripts: 5 prime UTR variant (1).
Genome position (GRCh38, 1-based): chr16:14,628,216, T>G on the plus strand (A>C on the coding strand, the complement: PARN is on the minus strand). VCF-style: chr16-14628216-T-G. GRCh37 (hg19) VCF-style: chr16-14722073-T-G.
Other names: c.-51A>C (NM_001134477.3); c.133A>C, p.Asn45His (NM_001242992.2); short protein forms N45H.
Identifiers: ClinVar variation 4795053 (VCV004795053.1).

ClinVar aggregate classification (germline): Uncertain significance (1 of 4 stars; one submission).

Conditions:
Dyskeratosis congenita, autosomal recessive 6 (DKCB6). Identifiers: MedGen C4225356, MONDO:0014600, OMIM 616353.
Pulmonary fibrosis and/or bone marrow failure, Telomere-related, 4. Also called: PULMONARY FIBROSIS AND/OR BONE MARROW FAILURE SYNDROME, TELOMERE-RELATED, 4. Identifiers: Orphanet 2032, MedGen C4225347, MONDO:0014612, OMIM 616371.

gnomAD v4.1: 3 of 1,607,448 alleles (0.00019%); highest among the groups gnomAD compares: Non-Finnish European, 0.00017%; no homozygotes.

Submission:

Labcorp Genetics (formerly Invitae), Labcorp
Classification: Uncertain significance for Dyskeratosis congenita, autosomal recessive 6; Pulmonary fibrosis and/or bone marrow failure, Telomere-related, 4. Last evaluated: 2025-05-02. Review status: criteria provided, single submitter. Criteria: Invitae Variant Classification Sherloc (09022015). Collection method: clinical testing. Allele origin: germline.
Comment: This sequence change replaces asparagine, which is neutral and polar, with histidine, which is basic and polar, at codon 45 of the PARN protein (p.Asn45His). This variant is present in population databases (rs748359090, gnomAD 0.002%). This variant has not been reported in the literature in individuals affected with PARN-related conditions. Invitae Evidence Modeling of protein sequence and biophysical properties (such as structural, functional, and spatial information, amino acid conservation, physicochemical variation, residue mobility, and thermodynamic stability) indicates that this missense variant is not expected to disrupt PARN protein function with a negative predictive value of 80%. In summary, the available evidence is currently insufficient to determine the role of this variant in disease. Therefore, it has been classified as a Variant of Uncertain Significance.